The following is an entry in ClinVar:

ClinVar aggregate classification (germline): Uncertain significance (1 of 4 stars; one submission).

Conditions:
Mendelian susceptibility to mycobacterial diseases due to complete IL12B deficiency. Also called: IL12B DEFICIENCY; Immunodeficiency 29. Identifiers: Orphanet 319558, MedGen C4013948, MONDO:0013954, OMIM 614890.

Allele frequency attached by ClinVar (database versions not stated): TOPMed 0.00003; ESP Exome Variant Server 0.00015.
gnomAD v4.1: 62 of 1,611,848 alleles (0.0038%); highest among the groups gnomAD compares: Non-Finnish European, 0.0051%; no homozygotes.

Submission:

Labcorp Genetics (formerly Invitae), Labcorp
Classification: Uncertain significance for Mendelian susceptibility to mycobacterial diseases due to complete IL12B deficiency. Last evaluated: 2024-10-14. Review status: criteria provided, single submitter. Criteria: Invitae Variant Classification Sherloc (09022015). Collection method: clinical testing. Allele origin: germline.
Comment: This sequence change falls in intron 4 of the IL12B gene. It does not directly change the encoded amino acid sequence of the IL12B protein. This variant is present in population databases (rs373640168, gnomAD 0.004%). This variant has not been reported in the literature in individuals affected with IL12B-related conditions. ClinVar contains an entry for this variant (Variation ID: 937914). Algorithms developed to predict the effect of sequence changes on RNA splicing suggest that this variant may disrupt the consensus splice site. In summary, the available evidence is currently insufficient to determine the role of this variant in disease. Therefore, it has been classified as a Variant of Uncertain Significance.

NM_002187.3(IL12B):c.483-6C>G

Gene: IL12B (interleukin 12B; minus strand). Cytogenetic location: 5q33.3.
Variant type: single nucleotide variant.
Coding change: c.483-6C>G on transcript NM_002187.3 (MANE Select); 6 bases into the intron before coding-DNA position 483, C replaced by G.
Molecular consequence: intron variant.
Genome position (GRCh38, 1-based): chr5:159,320,526, G>C on the plus strand (C>G on the coding strand, the complement: IL12B is on the minus strand). VCF-style: chr5-159320526-G-C. GRCh37 (hg19) VCF-style: chr5-158747534-G-C.
Identifiers: ClinVar variation 937914 (VCV000937914.8), dbSNP rs373640168, ClinGen allele CA3538778.